The following is an entry in ClinVar:

NM_002454.3(MTRR):c.324del (p.Lys109fs)

Gene: MTRR (5-methyltetrahydrofolate-homocysteine methyltransferase reductase; plus strand). Cytogenetic location: 5p15.31.
Variant type: Deletion.
Coding change: c.324del on transcript NM_002454.3 (MANE Select); coding-DNA position 324, one base deleted (G; older notation c.324delG).
Protein change: p.Lys109fs; shifts the reading frame from lysine 109.
Molecular consequence: frameshift variant. On other transcripts: non-coding transcript variant (14).
Genome position (GRCh38, 1-based): chr5:7,875,298, G deleted; the last of 6 consecutive G bases (chr5:7,875,293-7,875,298); deleting any one gives the same sequence. VCF-style (leftmost placement, unchanged base first): chr5-7875292-TG-T. GRCh37 (hg19) VCF-style: chr5-7875405-TG-T.
Other names: c.324del, p.Lys109fs (NM_001364440.2, NM_001364441.2, NM_001364442.2 and 1 more transcripts); short protein forms K109fs.
Identifiers: ClinVar variation 809730 (VCV000809730.50), dbSNP rs1189298981, ClinGen allele CA814247672.

ClinVar aggregate classification (germline): Pathogenic/Likely pathogenic. Review status: criteria provided, multiple submitters, no conflicts (2 of 4 stars). 3 submissions from 3 submitters: Pathogenic (1); Likely pathogenic (2). Last evaluated 2023-12-14.

Conditions:
Methylcobalamin deficiency type cblE (HMAE). Also called: HOMOCYSTINURIA-MEGALOBLASTIC ANEMIA, cblE COMPLEMENTATION TYPE; HOMOCYSTINURIA-MEGALOBLASTIC ANEMIA, cblE TYPE; VITAMIN B12-RESPONSIVE HOMOCYSTINURIA, cblE TYPE. Identifiers: Orphanet 2169, Orphanet 622, MedGen C1856057, MONDO:0009354, OMIM 236270.
Neural tube defects, folate-sensitive (NTDFS). Also called: NTD, FOLATE-SENSITIVE. Identifiers: Orphanet 823, MedGen C1866558, MONDO:0011120, OMIM 601634.

Submissions (3):

Baylor Genetics
Classification: Likely pathogenic for Neural tube defects, folate-sensitive. Last evaluated: 2023-12-14. Review status: criteria provided, single submitter. Criteria: ACMG Guidelines, 2015. Collection method: clinical testing. Allele origin: unknown.

Labcorp Genetics (formerly Invitae), Labcorp
Classification: Pathogenic for Methylcobalamin deficiency type cblE. Last evaluated: 2023-10-04. Review status: criteria provided, single submitter. Criteria: Invitae Variant Classification Sherloc (09022015). Collection method: clinical testing. Allele origin: germline.
Comment: This sequence change creates a premature translational stop signal (p.Lys109Argfs*2) in the MTRR gene. It is expected to result in an absent or disrupted protein product. Loss-of-function variants in MTRR are known to be pathogenic (PMID: 15714522). This variant is not present in population databases (gnomAD no frequency). This variant has not been reported in the literature in individuals affected with MTRR-related conditions. ClinVar contains an entry for this variant (Variation ID: 809730). For these reasons, this variant has been classified as Pathogenic.

CeGaT Center for Human Genetics Tuebingen
Classification: Likely pathogenic. Last evaluated: 2019-06-01. Review status: criteria provided, single submitter. Criteria: CeGaT Center For Human Genetics Tuebingen Variant Classification Criteria Version 2. Collection method: clinical testing. Allele origin: germline. Affected: yes. Observed: 1 variant allele.

Literature cited by the submitters: PubMed 15714522 (cited by Labcorp Genetics (formerly Invitae), Labcorp).